The following is an entry in ClinVar:

NM_001282531.3(ADNP):c.1063G>A (p.Ala355Thr)

Gene: ADNP (activity dependent neuroprotector homeobox; minus strand). Cytogenetic location: 20q13.13.
Variant type: single nucleotide variant.
Coding change: c.1063G>A on transcript NM_001282531.3 (MANE Select); coding-DNA position 1063, G replaced by A.
Protein change: p.Ala355Thr; replaces alanine 355 with threonine.
Molecular consequence: missense variant.
Genome position (GRCh38, 1-based): chr20:50,893,651, C>T on the plus strand (G>A on the coding strand, the complement: ADNP is on the minus strand). VCF-style: chr20-50893651-C-T. GRCh37 (hg19) VCF-style: chr20-49510188-C-T.
Other names: c.1063G>A, p.Ala355Thr (NM_001282532.2, NM_001347511.2, NM_015339.5 and 1 more transcripts); c.1063G>A (NM_001282531.2); short protein forms A355T.
Identifiers: ClinVar variation 499359 (VCV000499359.19), dbSNP rs200625964, ClinGen allele CA9908790.

ClinVar aggregate classification (germline): Conflicting classifications of pathogenicity. Review status: criteria provided, conflicting classifications (1 of 4 stars). 7 submissions from 7 submitters: Uncertain significance (1); Benign (1); Likely benign (4). 1 of the submissions does not count toward it. Last evaluated 2026-08-01.

Conditions:
ADNP-related multiple congenital anomalies - intellectual disability - autism spectrum disorder. Also called: ADNP-Related Helsmoortel-Van der Aa Syndrome; Helsmoortel-Van der Aa Syndrome. Identifiers: Orphanet 404448, MedGen C4014538, MONDO:0014379, OMIM 615873. Disease mechanism: loss of function.
ADNP-related disorder. Also called: ADNP-related condition.
Inborn genetic diseases. Identifiers: MedGen C0950123, MeSH D030342.

Allele frequency attached by ClinVar (database versions not stated): ESP Exome Variant Server 0.00015; TOPMed 0.00016; gnomAD exomes 0.00018 and 0.00021; gnomAD 0.00019 and 0.00021; ExAC 0.00024.
gnomAD v4.1: 331 of 1,614,026 alleles (0.021%); highest among the groups gnomAD compares: Non-Finnish European, 0.025%; 1 homozygote.

Submissions (7):

CeGaT Center for Human Genetics Tuebingen
Classification: Likely benign. Last evaluated: 2026-08-01. Review status: criteria provided, single submitter. Criteria: CeGaT Center For Human Genetics Tuebingen Variant Classification Criteria Version 2. Collection method: clinical testing. Allele origin: germline. Affected: yes. Observed: 1 variant allele.
Comment: ADNP: BP4, BS2

Labcorp Genetics (formerly Invitae), Labcorp
Classification: Benign. Last evaluated: 2025-10-22. Review status: criteria provided, single submitter. Criteria: Invitae Variant Classification Sherloc (09022015). Collection method: clinical testing. Allele origin: germline.

Blueprint Genetics
Classification: Likely benign. Last evaluated: 2024-10-21. Review status: criteria provided, single submitter. Criteria: ACMG Guidelines, 2015. Collection method: clinical testing. Allele origin: germline.

Fulgent Genetics
Classification: Likely benign for ADNP-related multiple congenital anomalies - intellectual disability - autism spectrum disorder. Last evaluated: 2024-05-04. Review status: criteria provided, single submitter. Criteria: ACMG Guidelines, 2015. Collection method: clinical testing. Allele origin: germline.

Ambry Genetics
Classification: Likely benign for Inborn genetic diseases. Last evaluated: 2022-05-11. Review status: criteria provided, single submitter. Criteria: Ambry Variant Classification Scheme 2023. Collection method: clinical testing. Allele origin: germline.

Eurofins Ntd Llc (ga)
Classification: Uncertain significance. Last evaluated: 2016-12-21. Review status: criteria provided, single submitter. Criteria: EGL Classification Definitions 2015. Collection method: clinical testing. Allele origin: germline. Observed: 1 variant allele, 1 heterozygote.

PreventionGenetics, part of Exact Sciences
Classification: Likely benign for ADNP-related condition. Last evaluated: 2022-11-09. Review status: no assertion criteria provided. Collection method: clinical testing. Allele origin: germline. Not counted in ClinVar's aggregate classification.
Comment: This variant is classified as likely benign based on ACMG/AMP sequence variant interpretation guidelines (Richards et al. 2015 PMID: 25741868, with internal and published modifications).